The following is an entry in ClinVar:

NM_000256.3(MYBPC3):c.537C>T (p.Ala179=)

Gene: MYBPC3 (myosin binding protein C3; minus strand). Cytogenetic location: 11p11.2.
Variant type: single nucleotide variant.
Coding change: c.537C>T on transcript NM_000256.3 (MANE Select); coding-DNA position 537, C replaced by T.
Protein change: p.Ala179=; no amino-acid change (alanine 179 retained).
Molecular consequence: synonymous variant.
Genome position (GRCh38, 1-based): chr11:47,349,891, G>A on the plus strand (C>T on the coding strand, the complement: MYBPC3 is on the minus strand). VCF-style: chr11-47349891-G-A. GRCh37 (hg19) VCF-style: chr11-47371442-G-A.
Other names: p.Ala179=.
Identifiers: ClinVar variation 42768 (VCV000042768.40), dbSNP rs11570051, ClinGen allele CA015439.

ClinVar aggregate classification (germline): Benign. Review status: criteria provided, multiple submitters, no conflicts (2 of 4 stars). 17 submissions from 16 submitters: Benign (13). 4 of the submissions do not count toward it. Last evaluated 2026-02-04.

Conditions:
Cardiovascular phenotype. Identifiers: MedGen CN230736.
Left ventricular noncompaction 10 (LVNC10). Identifiers: Orphanet 154, Orphanet 54260, MedGen C3715165, MONDO:0014163, OMIM 615396.
Cardiomyopathy (CMYO). Also called: Cardiomyopathies. Identifiers: Orphanet 167848, MedGen C0878544, MONDO:0004994, HP:0001638. Inheritance: Various modes of inheritance.
Hypertrophic cardiomyopathy 4. Also called: Familial hypertrophic cardiomyopathy 4. Identifiers: MedGen C1861862, MONDO:0007268, OMIM 115197.
Hypertrophic cardiomyopathy. Also called: HYPERTROPHIC MYOCARDIOPATHY. Identifiers: Orphanet 217569, MedGen C0007194, MeSH D002312, MONDO:0005045, HP:0001639.

Allele frequency attached by ClinVar (database versions not stated): 1000 Genomes Project 0.02496; 1000 Genomes Project 30x 0.02717; ESP Exome Variant Server 0.03406; gnomAD 0.03917 and 0.03962; TOPMed 0.03973; gnomAD exomes 0.04517 and 0.04935; ExAC 0.04545.
gnomAD v4.1: 77,448 of 1,609,356 alleles (4.8%); highest among the groups gnomAD compares: Admixed American, 8.1%; 2,156 homozygotes.

Submissions (17):

Labcorp Genetics (formerly Invitae), Labcorp
Classification: Benign for Hypertrophic cardiomyopathy. Last evaluated: 2026-02-04. Review status: criteria provided, single submitter. Criteria: Invitae Variant Classification Sherloc (09022015). Collection method: clinical testing. Allele origin: germline.

Molecular Diagnostic Laboratory for Inherited Cardiovascular Disease, Montreal Heart Institute
Classification: Benign. Last evaluated: 2025-04-08. Review status: criteria provided, single submitter. Criteria: ACMG Guidelines, 2015. Collection method: clinical testing. Allele origin: germline. Affected: no.

Blueprint Genetics
Classification: Benign. Last evaluated: 2024-11-27. Review status: criteria provided, single submitter. Criteria: ACMG Guidelines, 2015. Collection method: clinical testing. Allele origin: germline.

Color Diagnostics, LLC DBA Color Health
Classification: Benign for Cardiomyopathy. Last evaluated: 2018-03-16. Review status: criteria provided, single submitter. Criteria: ACMG Guidelines, 2015. Collection method: clinical testing. Allele origin: germline.

Illumina Laboratory Services, Illumina
Classification: Benign for Hypertrophic cardiomyopathy 4. Last evaluated: 2018-01-13. Review status: criteria provided, single submitter. Criteria: ICSL Variant Classification Criteria 13 December 2019. Collection method: clinical testing. Allele origin: germline.
Comment: This variant was observed in the ICSL laboratory as part of a predisposition screen in an ostensibly healthy population. It had not been previously curated by ICSL or reported in the Human Gene Mutation Database (HGMD: prior to June 1st, 2018), and was therefore a candidate for classification through an automated scoring system. Utilizing variant allele frequency, disease prevalence and penetrance estimates, and inheritance mode, an automated score was calculated to assess if this variant is too frequent to cause the disease. Based on the score and internal cut-off values, a variant classified as benign is not then subjected to further curation. The score for this variant resulted in a classification of benign for this disease.

Illumina Laboratory Services, Illumina
Classification: Benign for Left ventricular noncompaction 10. Last evaluated: 2018-01-13. Review status: criteria provided, single submitter. Criteria: ICSL Variant Classification Criteria 13 December 2019. Collection method: clinical testing. Allele origin: germline.
Comment: the same text as in the submission from Illumina Laboratory Services, Illumina above.

Ambry Genetics
Classification: Benign for Cardiovascular phenotype. Last evaluated: 2015-06-16. Review status: criteria provided, single submitter. Criteria: Ambry Variant Classification Scheme 2023. Collection method: clinical testing. Allele origin: germline.

GeneDx
Classification: Benign. Last evaluated: 2015-03-03. Review status: criteria provided, single submitter. Criteria: GeneDx Variant Classification Process June 2021. Collection method: clinical testing. Allele origin: germline. Affected: yes.

Genome Diagnostics Laboratory, University Medical Center Utrecht
Classification: Benign for Hypertrophic cardiomyopathy 4. Last evaluated: 2014-10-10. Review status: criteria provided, single submitter. Criteria: ACGS Guidelines, 2013. Collection method: clinical testing. Allele origin: germline. Affected: yes. Study: VKGL Data-share Consensus.

Mayo Clinic Laboratories, Mayo Clinic
Classification: Benign. Last evaluated: 2014-08-06. Review status: criteria provided, single submitter. Criteria: ACMG Guidelines, 2015. Collection method: clinical testing. Allele origin: germline. Observed: 137 variant alleles.

Laboratory for Molecular Medicine, Mass General Brigham Personalized Medicine
Classification: Benign. Last evaluated: 2008-01-18. Review status: criteria provided, single submitter. Criteria: LMM Criteria. Collection method: clinical testing. Allele origin: germline. Observed: 443 variant alleles.

Breakthrough Genomics
Classification: Benign. Review status: criteria provided, single submitter. Criteria: ACMG Guidelines, 2015. Collection method: not provided. Allele origin: germline. Inheritance: Autosomal dominant inheritance. Affected: yes.

PreventionGenetics, part of Exact Sciences
Classification: Benign. Review status: criteria provided, single submitter. Criteria: ACMG Guidelines, 2015. Collection method: clinical testing. Allele origin: germline.

Cohesion Phenomics
Classification: Benign for Hypertrophic cardiomyopathy. Last evaluated: 2022-10-10. Review status: no assertion criteria provided. Criteria: ACMG Guidelines, 2015. Collection method: clinical testing. Allele origin: germline. Affected: yes. Not counted in ClinVar's aggregate classification.

Clinical Genetics, Academic Medical Center
Classification: Benign. Review status: no assertion criteria provided. Collection method: clinical testing. Allele origin: germline. Affected: yes. Study: VKGL Data-share Consensus. Not counted in ClinVar's aggregate classification.

Diagnostic Laboratory, Department of Genetics, University Medical Center Groningen
Classification: Benign for Hypertrophic cardiomyopathy 4. Review status: no assertion criteria provided. Collection method: clinical testing. Allele origin: germline. Affected: yes. Study: VKGL Data-share Consensus. Not counted in ClinVar's aggregate classification.

Joint Genome Diagnostic Labs from Nijmegen and Maastricht, Radboudumc and MUMC+
Classification: Benign. Review status: no assertion criteria provided. Collection method: clinical testing. Allele origin: germline. Affected: yes. Study: VKGL Data-share Consensus. Not counted in ClinVar's aggregate classification.